The following is an entry in ClinVar:

NM_000182.5(HADHA):c.2011G>T (p.Glu671Ter)

Genes: GAREM2 (GRB2 associated regulator of MAPK1 subtype 2; plus strand), HADHA (hydroxyacyl-CoA dehydrogenase trifunctional multienzyme complex subunit alpha; minus strand). Cytogenetic location: 2p23.3.
Variant type: single nucleotide variant.
Coding change: c.2011G>T on transcript NM_000182.5 (MANE Select); coding-DNA position 2011, G replaced by T.
Protein change: p.Glu671Ter; replaces glutamic acid 671 with a stop codon.
Molecular consequence: nonsense.
Genome position (GRCh38, 1-based): chr2:26,191,618, C>A on the plus strand (G>T on the coding strand, the complement: HADHA is on the minus strand). VCF-style: chr2-26191618-C-A. GRCh37 (hg19) VCF-style: chr2-26414487-C-A.
Other names: short protein forms E671*.
Identifiers: ClinVar variation 5003889 (VCV005003889.1).

ClinVar aggregate classification (germline): Pathogenic (1 of 4 stars; one submission).

Conditions:
Long chain 3-hydroxyacyl-CoA dehydrogenase deficiency. Also called: Deficiency of long-chain 3-hydroxyacyl-coenzyme A dehydrogenase; LCHAD Deficiency. Identifiers: Orphanet 5, MedGen C3711645, MONDO:0012173, OMIM 609016.

Submission:

Myriad Genetics, Inc.
Classification: Pathogenic for Long chain 3-hydroxyacyl-CoA dehydrogenase deficiency. Last evaluated: 2025-12-08. Review status: criteria provided, single submitter. Criteria: Myriad Autosomal Dominant, Autosomal Recessive and X-Linked Classification Criteria (2023). Collection method: clinical testing. Allele origin: unknown.
Comment: NM_000182.4(HADHA):c.2011G>T(E671*) is a nonsense variant classified as pathogenic in the context of HADHA-related disorders. E671* has not been observed in cases with relevant disease. Relevant functional assessments of this variant are not available in the literature. E671* has not been observed in referenced population frequency databases. In summary, NM_000182.4(HADHA):c.2011G>T(E671*) is a nonsense variant in a gene where loss of function is a known mechanism of disease and is predicted to disrupt protein function. Please note: this variant was assessed in the context of healthy population screening.